The following is an entry in ClinVar:

ClinVar aggregate classification (germline): Uncertain significance (1 of 4 stars; one submission).

Conditions:
Charcot-Marie-Tooth disease axonal type 2O. Also called: CHARCOT-MARIE-TOOTH NEUROPATHY, AXONAL, TYPE 2O; CHARCOT-MARIE-TOOTH DISEASE, AXONAL, AUTOSOMAL DOMINANT, TYPE 2O; Charcot-Marie-Tooth Neuropathy Type 2O; Charcot-Marie-Tooth disease, axonal, type 20. Identifiers: Orphanet 284232, MedGen C3280220, MONDO:0013644, OMIM 614228.

Submission:

Labcorp Genetics (formerly Invitae), Labcorp
Classification: Uncertain significance for Charcot-Marie-Tooth disease axonal type 2O. Last evaluated: 2025-03-04. Review status: criteria provided, single submitter. Criteria: Invitae Variant Classification Sherloc (09022015). Collection method: clinical testing. Allele origin: germline.
Comment: This sequence change replaces leucine, which is neutral and non-polar, with phenylalanine, which is neutral and non-polar, at codon 1637 of the DYNC1H1 protein (p.Leu1637Phe). This variant is not present in population databases (gnomAD no frequency). This variant has not been reported in the literature in individuals affected with DYNC1H1-related conditions. Invitae Evidence Modeling of protein sequence and biophysical properties (such as structural, functional, and spatial information, amino acid conservation, physicochemical variation, residue mobility, and thermodynamic stability) indicates that this missense variant is expected to disrupt DYNC1H1 protein function with a positive predictive value of 95%. In summary, the available evidence is currently insufficient to determine the role of this variant in disease. Therefore, it has been classified as a Variant of Uncertain Significance.

NM_001376.5(DYNC1H1):c.4911G>T (p.Leu1637Phe)

Gene: DYNC1H1 (dynein cytoplasmic 1 heavy chain 1; plus strand). Cytogenetic location: 14q32.31.
Variant type: single nucleotide variant.
Coding change: c.4911G>T on transcript NM_001376.5 (MANE Select); coding-DNA position 4911, G replaced by T.
Protein change: p.Leu1637Phe; replaces leucine 1637 with phenylalanine.
Molecular consequence: missense variant.
Genome position (GRCh38, 1-based): chr14:102,004,545, G>T. VCF-style: chr14-102004545-G-T. GRCh37 (hg19) VCF-style: chr14-102470882-G-T.
Other names: short protein forms L1637F.
Identifiers: ClinVar variation 4802050 (VCV004802050.1).